The following is an entry in ClinVar:

NM_033004.4(NLRP1):c.103A>G (p.Arg35Gly)

Genes: NLRP1 (NLR family pyrin domain containing 1; minus strand), LOC126862475 (CDK7 strongly-dependent group 2 enhancer GRCh37_chr17:5487167-5488366; plus strand). Cytogenetic location: 17p13.2.
Variant type: single nucleotide variant.
Coding change: c.103A>G on transcript NM_033004.4 (MANE Select); coding-DNA position 103, A replaced by G.
Protein change: p.Arg35Gly; replaces arginine 35 with glycine.
Molecular consequence: missense variant.
Genome position (GRCh38, 1-based): chr17:5,583,855, T>C on the plus strand (A>G on the coding strand, the complement: NLRP1 is on the minus strand). VCF-style: chr17-5583855-T-C. GRCh37 (hg19) VCF-style: chr17-5487175-T-C.
Other names: c.103A>G (NM_033004.3); c.103A>G, p.Arg35Gly (NM_001033053.3, NM_014922.5, NM_033006.4 and 1 more transcripts); short protein forms R35G.
Identifiers: ClinVar variation 1630796 (VCV001630796.11), dbSNP rs201788309, ClinGen allele CA8327653.

ClinVar aggregate classification (germline): Conflicting classifications of pathogenicity. Review status: criteria provided, conflicting classifications (1 of 4 stars). 4 submissions from 4 submitters: Uncertain significance (1); Likely benign (3). Last evaluated 2025-12-08.

Conditions:
Inborn genetic diseases. Identifiers: MedGen C0950123, MeSH D030342.
NLRP1-related disorder. Also called: NLRP1-related condition.

Allele frequency attached by ClinVar (database versions not stated): TOPMed 0.00002; gnomAD 0.00017; gnomAD exomes 0.00020 and 0.00036; ExAC 0.00076; 1000 Genomes Project 0.00080; 1000 Genomes Project 30x 0.00094.
gnomAD v4.1: 310 of 1,577,088 alleles (0.02%); highest among the groups gnomAD compares: South Asian, 0.34%; 3 homozygotes.

Submissions (4):

Labcorp Genetics (formerly Invitae), Labcorp
Classification: Likely benign. Last evaluated: 2025-12-08. Review status: criteria provided, single submitter. Criteria: Invitae Variant Classification Sherloc (09022015). Collection method: clinical testing. Allele origin: germline.

Ambry Genetics
Classification: Likely benign for Inborn genetic diseases. Last evaluated: 2024-09-11. Review status: criteria provided, single submitter. Criteria: Ambry Variant Classification Scheme 2023. Collection method: clinical testing. Allele origin: germline.

Blueprint Genetics
Classification: Likely benign. Last evaluated: 2023-10-26. Review status: criteria provided, single submitter. Criteria: ACMG Guidelines, 2015. Collection method: clinical testing. Allele origin: germline.

PreventionGenetics, part of Exact Sciences
Classification: Uncertain significance for NLRP1-related condition. Last evaluated: 2023-06-26. Review status: criteria provided, single submitter. Criteria: ACMG Guidelines, 2015. Collection method: clinical testing. Allele origin: germline.
Comment: The NLRP1 c.103A>G variant is predicted to result in the amino acid substitution p.Arg35Gly. To our knowledge, this variant has not been reported in the literature. This variant is reported in 0.27% of alleles in individuals of South Asian descent in gnomAD, including one homozygous individual, which may be too common to be causative of disease. Although we suspect that this variant may be benign, at this time, the clinical significance of this variant is uncertain due to the absence of conclusive functional and genetic evidence.